The following is an entry in ClinVar:

ClinVar aggregate classification (germline): Pathogenic (1 of 4 stars; one submission).

Conditions:
Neurofibromatosis, type 2 (SWNV). Also called: SCHWANNOMATOSIS, VESTIBULAR; BILATERAL ACOUSTIC NEUROFIBROMATOSIS; NF2-Related Schwannomatosis. Identifiers: Orphanet 637, MedGen C0027832, MONDO:0007039, OMIM 101000. Disease mechanism: loss of function.

Submission:

Labcorp Genetics (formerly Invitae), Labcorp
Classification: Pathogenic for Neurofibromatosis, type 2. Last evaluated: 2023-05-31. Review status: criteria provided, single submitter. Criteria: Invitae Variant Classification Sherloc (09022015). Collection method: clinical testing. Allele origin: unknown.
Comment: For these reasons, this variant has been classified as Pathogenic. A similar copy number variant has been observed in individual(s) with neurofibromatosis type 2 (PMID: 9817927, 10220142, 15645494). A gross deletion of the genomic region encompassing the full coding sequence of the NF2 gene has been identified. Loss-of-function variants in NF2 are known to be pathogenic (PMID: 9643284, 16983642). The boundaries of this event are unknown as they extend beyond the assayed region for this gene and therefore may encompass additional genes.

Literature cited by the submitters: PubMed 9817927; PubMed 10220142; PubMed 15645494; PubMed 9643284; PubMed 16983642.

NC_000022.10:g.(?_29083885)_(30090791_?)del

Genes: AP1B1 (adaptor related protein complex 1 subunit beta 1; minus strand), C22orf31 (chromosome 22 open reading frame 31; minus strand), CCDC117 (coiled-coil domain containing 117; plus strand), CHEK2 (checkpoint kinase 2; minus strand), EMID1 (EMI domain containing 1; plus strand) and 14 more. Cytogenetic location: 22q12.1-12.2.
Variant type: Deletion.
Identifiers: ClinVar variation 3247093 (VCV003247093.1).